The following is an entry in ClinVar:

ClinVar aggregate classification (germline): Uncertain significance (1 of 4 stars; one submission).

Conditions:
Perlman syndrome (PRLMNS). Identifiers: Orphanet 2849, MedGen C0796113, MONDO:0009965, OMIM 267000.

Allele frequency attached by ClinVar (database versions not stated): gnomAD exomes below 0.00001.
gnomAD v4.1: 1 of 1,611,810 alleles (0.000062%); highest among the groups gnomAD compares: Non-Finnish European, 0.000085%; no homozygotes.

Submission:

Labcorp Genetics (formerly Invitae), Labcorp
Classification: Uncertain significance for Perlman syndrome. Last evaluated: 2023-07-28. Review status: criteria provided, single submitter. Criteria: Invitae Variant Classification Sherloc (09022015). Collection method: clinical testing. Allele origin: germline.
Comment: This sequence change replaces phenylalanine, which is neutral and non-polar, with leucine, which is neutral and non-polar, at codon 675 of the DIS3L2 protein (p.Phe675Leu). In summary, the available evidence is currently insufficient to determine the role of this variant in disease. Therefore, it has been classified as a Variant of Uncertain Significance. An algorithm developed to predict the effect of missense changes on protein structure and function (PolyPhen-2) suggests that this variant is likely to be disruptive. ClinVar contains an entry for this variant (Variation ID: 1051839). This variant has not been reported in the literature in individuals affected with DIS3L2-related conditions. This variant is not present in population databases (gnomAD no frequency).

NM_152383.5(DIS3L2):c.2023T>C (p.Phe675Leu)

Gene: DIS3L2 (DIS3 like 3'-5' exoribonuclease 2; plus strand). Cytogenetic location: 2q37.1.
Variant type: single nucleotide variant.
Coding change: c.2023T>C on transcript NM_152383.5 (MANE Select); coding-DNA position 2023, T replaced by C.
Protein change: p.Phe675Leu; replaces phenylalanine 675 with leucine.
Molecular consequence: missense variant. On other transcripts: non-coding transcript variant (2), intron variant (1).
Genome position (GRCh38, 1-based): chr2:232,333,852, T>C. VCF-style: chr2-232333852-T-C. GRCh37 (hg19) VCF-style: chr2-233198562-T-C.
Other names: c.1582-9493T>C (NM_001257281.2); short protein forms F675L.
Identifiers: ClinVar variation 1051839 (VCV001051839.9), dbSNP rs1695846845, ClinGen allele CA350977317.